The following is an entry in ClinVar:

ClinVar aggregate classification (germline): Uncertain significance (1 of 4 stars; one submission).

Conditions:
Neurodevelopmental disorder with hypotonia, stereotypic hand movements, and impaired language. Also called: Intellectual disability, autosomal dominant 20. Identifiers: Orphanet 228384, Orphanet 664410, MedGen C3150700, MONDO:0013266, OMIM 613443.

Submission:

Labcorp Genetics (formerly Invitae), Labcorp
Classification: Uncertain significance for Neurodevelopmental disorder with hypotonia, stereotypic hand movements, and impaired language. Last evaluated: 2023-04-12. Review status: criteria provided, single submitter. Criteria: Invitae Variant Classification Sherloc (09022015). Collection method: clinical testing. Allele origin: germline.
Comment: In summary, the available evidence is currently insufficient to determine the role of this variant in disease. Therefore, it has been classified as a Variant of Uncertain Significance. Advanced modeling of protein sequence and biophysical properties (such as structural, functional, and spatial information, amino acid conservation, physicochemical variation, residue mobility, and thermodynamic stability) has been performed at Invitae for this missense variant, however the output from this modeling did not meet the statistical confidence thresholds required to predict the impact of this variant on MEF2C protein function. ClinVar contains an entry for this variant (Variation ID: 1404549). This variant has not been reported in the literature in individuals affected with MEF2C-related conditions. This variant is not present in population databases (gnomAD no frequency). This sequence change replaces threonine, which is neutral and polar, with methionine, which is neutral and non-polar, at codon 9 of the MEF2C protein (p.Thr9Met).

NM_002397.5(MEF2C):c.26C>T (p.Thr9Met)

Gene: MEF2C (myocyte enhancer factor 2C; minus strand). Cytogenetic location: 5q14.3.
Variant type: single nucleotide variant.
Coding change: c.26C>T on transcript NM_002397.5 (MANE Select); coding-DNA position 26, C replaced by T.
Protein change: p.Thr9Met; replaces threonine 9 with methionine.
Molecular consequence: missense variant.
Genome position (GRCh38, 1-based): chr5:88,823,763, G>A on the plus strand (C>T on the coding strand, the complement: MEF2C is on the minus strand). VCF-style: chr5-88823763-G-A. GRCh37 (hg19) VCF-style: chr5-88119580-G-A.
Other names: c.26C>T, p.Thr9Met (NM_001131005.2, NM_001193347.1, NM_001193348.1 and 29 more transcripts); short protein forms T9M.
Identifiers: ClinVar variation 1404549 (VCV001404549.6), dbSNP rs2153222916, ClinGen allele CA360425310.